The following is an entry in ClinVar:

NM_015898.4(ZBTB7A):c.568G>T (p.Ala190Ser)

Gene: ZBTB7A (zinc finger and BTB domain containing 7A; minus strand). Cytogenetic location: 19p13.3.
Variant type: single nucleotide variant.
Coding change: c.568G>T on transcript NM_015898.4 (MANE Select); coding-DNA position 568, G replaced by T.
Protein change: p.Ala190Ser; replaces alanine 190 with serine.
Molecular consequence: missense variant.
Genome position (GRCh38, 1-based): chr19:4,054,665, C>A on the plus strand (G>T on the coding strand, the complement: ZBTB7A is on the minus strand). VCF-style: chr19-4054665-C-A. GRCh37 (hg19) VCF-style: chr19-4054663-C-A.
Other names: c.568G>T, p.Ala190Ser (NM_001317990.2); short protein forms A190S.
Identifiers: ClinVar variation 3233603 (VCV003233603.2), dbSNP rs1049614247, ClinGen allele CA403367170.

ClinVar aggregate classification (germline): Uncertain significance (1 of 4 stars; one submission).

Submission:

Women's Health and Genetics/Laboratory Corporation of America, LabCorp
Classification: Uncertain significance. Last evaluated: 2024-03-07. Review status: criteria provided, single submitter. Criteria: LabCorp Variant Classification Summary - May 2015. Collection method: clinical testing. Allele origin: germline.
Comment: Variant summary: ZBTB7A c.568G>T (p.Ala190Ser) results in a conservative amino acid change in the encoded protein sequence. Five of five in-silico tools predict a benign effect of the variant on protein function. The variant was absent in 215604 control chromosomes. The available data on variant occurrences in the general population are insufficient to allow any conclusion about variant significance. To our knowledge, no occurrence of c.568G>T in individuals affected with Macrocephaly, Neurodevelopmental Delay, Lymphoid Hyperplasia, And Persistent Fetal Hemoglobin and no experimental evidence demonstrating its impact on protein function have been reported. No submitters have cited clinical-significance assessments for this variant to ClinVar. Based on the evidence outlined above, the variant was classified as uncertain significance.